The following is an entry in ClinVar:

NM_006231.4(POLE):c.3763T>G (p.Leu1255Val)

Gene: POLE (DNA polymerase epsilon, catalytic subunit; minus strand). Cytogenetic location: 12q24.33.
Variant type: single nucleotide variant.
Coding change: c.3763T>G on transcript NM_006231.4 (MANE Select); coding-DNA position 3763, T replaced by G.
Protein change: p.Leu1255Val; replaces leucine 1255 with valine.
Molecular consequence: missense variant.
Genome position (GRCh38, 1-based): chr12:132,649,709, A>C on the plus strand (T>G on the coding strand, the complement: POLE is on the minus strand). VCF-style: chr12-132649709-A-C. GRCh37 (hg19) VCF-style: chr12-133226295-A-C.
Other names: short protein forms L1255V.
Identifiers: ClinVar variation 836100 (VCV000836100.9), dbSNP rs745838504, ClinGen allele CA387386064.

ClinVar aggregate classification (germline): Uncertain significance (1 of 4 stars; one submission).

Submission:

Labcorp Genetics (formerly Invitae), Labcorp
Classification: Uncertain significance. Last evaluated: 2025-03-09. Review status: criteria provided, single submitter. Criteria: Invitae Variant Classification Sherloc (09022015). Collection method: clinical testing. Allele origin: germline.
Comment: This sequence change replaces leucine, which is neutral and non-polar, with valine, which is neutral and non-polar, at codon 1255 of the POLE protein (p.Leu1255Val). This variant is not present in population databases (gnomAD no frequency). This variant has not been reported in the literature in individuals affected with POLE-related conditions. ClinVar contains an entry for this variant (Variation ID: 836100). Invitae Evidence Modeling of protein sequence and biophysical properties (such as structural, functional, and spatial information, amino acid conservation, physicochemical variation, residue mobility, and thermodynamic stability) indicates that this missense variant is not expected to disrupt POLE protein function with a negative predictive value of 80%. In summary, the available evidence is currently insufficient to determine the role of this variant in disease. Therefore, it has been classified as a Variant of Uncertain Significance.